The following is an entry in ClinVar:

NM_001039876.3(SYNE4):c.789A>G (p.Gln263=)

Gene: SYNE4 (spectrin repeat containing nuclear envelope family member 4; minus strand). Cytogenetic location: 19q13.12.
Variant type: single nucleotide variant.
Coding change: c.789A>G on transcript NM_001039876.3 (MANE Select); coding-DNA position 789, A replaced by G.
Protein change: p.Gln263=; no amino-acid change (glutamine 263 retained).
Molecular consequence: synonymous variant.
Genome position (GRCh38, 1-based): chr19:36,006,501, T>C on the plus strand (A>G on the coding strand, the complement: SYNE4 is on the minus strand). VCF-style: chr19-36006501-T-C. GRCh37 (hg19) VCF-style: chr19-36497403-T-C.
Other names: c.450A>G, p.Gln150= (NM_001297735.3).
Identifiers: ClinVar variation 517272 (VCV000517272.41), dbSNP rs557057979, ClinGen allele CA9393854.

ClinVar aggregate classification (germline): Benign/Likely benign. Review status: criteria provided, multiple submitters, no conflicts (2 of 4 stars). 6 submissions from 6 submitters: Benign (3); Likely benign (3). Last evaluated 2026-02-01.

Conditions:
SYNE4-related disorder. Also called: SYNE4-related condition.

Allele frequency attached by ClinVar (database versions not stated): gnomAD 0.00009 and 0.00026; TOPMed 0.00010; gnomAD exomes 0.00046 and 0.00090; ExAC 0.00114; 1000 Genomes Project 30x 0.00141; 1000 Genomes Project 0.00160.
gnomAD v4.1: 714 of 1,611,378 alleles (0.044%); highest among the groups gnomAD compares: South Asian, 0.68%; 8 homozygotes.

Submissions (6):

CeGaT Center for Human Genetics Tuebingen
Classification: Likely benign. Last evaluated: 2026-02-01. Review status: criteria provided, single submitter. Criteria: CeGaT Center For Human Genetics Tuebingen Variant Classification Criteria Version 2. Collection method: clinical testing. Allele origin: germline. Affected: yes. Observed: 2 variant alleles.
Comment: SYNE4: BP4, BP7

Labcorp Genetics (formerly Invitae), Labcorp
Classification: Benign. Last evaluated: 2026-01-28. Review status: criteria provided, single submitter. Criteria: Invitae Variant Classification Sherloc (09022015). Collection method: clinical testing. Allele origin: germline.

PreventionGenetics, part of Exact Sciences
Classification: Likely benign for SYNE4-related condition. Last evaluated: 2026-01-08. Review status: criteria provided, single submitter. Criteria: ACMG Guidelines, 2015. Collection method: clinical testing. Allele origin: germline.
Comment: This variant is classified as likely benign based on ACMG/AMP sequence variant interpretation guidelines (Richards et al. 2015 PMID: 25741868, with internal and published modifications).

Blueprint Genetics
Classification: Likely benign. Last evaluated: 2024-11-28. Review status: criteria provided, single submitter. Criteria: ACMG Guidelines, 2015. Collection method: clinical testing. Allele origin: germline.

GeneDx
Classification: Benign. Last evaluated: 2020-06-22. Review status: criteria provided, single submitter. Criteria: GeneDx Variant Classification Process June 2021. Collection method: clinical testing. Allele origin: germline. Affected: yes.

Laboratory for Molecular Medicine, Mass General Brigham Personalized Medicine
Classification: Benign. Last evaluated: 2017-02-10. Review status: criteria provided, single submitter. Criteria: LMM Criteria. Collection method: clinical testing. Allele origin: germline. Observed: 2 variant alleles.
Comment: p.Gln263Gln in exon 5 of SYNE4: This variant is not expected to have clinical si gnificance because it has been identified in 0.75% (108/14380) of South Asian ch romosomes by the Exome Aggregation Consortium (ExAC. org; dbSNP rs557057979).